The following is an entry in ClinVar:

ClinVar aggregate classification (germline): Uncertain significance. Review status: criteria provided, multiple submitters, no conflicts (2 of 4 stars). 4 submissions from 4 submitters: Uncertain significance (4). Last evaluated 2026-01-28.

Conditions:
Cardiomyopathy (CMYO). Also called: Cardiomyopathies. Identifiers: Orphanet 167848, MedGen C0878544, MONDO:0004994, HP:0001638. Inheritance: Various modes of inheritance.
Catecholaminergic polymorphic ventricular tachycardia 1. Also called: VENTRICULAR TACHYCARDIA, STRESS-INDUCED POLYMORPHIC 1; VENTRICULAR TACHYCARDIA, CATECHOLAMINERGIC POLYMORPHIC, 1, WITH OR WITHOUT ATRIAL DYSFUNCTION AND/OR DILATED CARDIOMYOPATHY; RYR2-Related Catecholaminergic Polymorphic Ventricular Tachycardia. Identifiers: Orphanet 3286, MedGen C1631597, MONDO:0011484, OMIM 604772.

gnomAD v4.1: 6 of 1,613,914 alleles (0.00037%); highest among the groups gnomAD compares: Admixed American, 0.0017%; no homozygotes.

Submissions (4):

Labcorp Genetics (formerly Invitae), Labcorp
Classification: Uncertain significance for Catecholaminergic polymorphic ventricular tachycardia 1. Last evaluated: 2026-01-28. Review status: criteria provided, single submitter. Criteria: Invitae Variant Classification Sherloc (09022015). Collection method: clinical testing. Allele origin: germline.
Comment: This sequence change replaces phenylalanine, which is neutral and non-polar, with cysteine, which is neutral and slightly polar, at codon 794 of the RYR2 protein (p.Phe794Cys). This variant is present in population databases (no rsID available, gnomAD 0.003%). This variant has not been reported in the literature in individuals affected with RYR2-related conditions. ClinVar contains an entry for this variant (Variation ID: 3337532). Invitae Evidence Modeling of protein sequence and biophysical properties (such as structural, functional, and spatial information, amino acid conservation, physicochemical variation, residue mobility, and thermodynamic stability) indicates that this missense variant is not expected to disrupt RYR2 protein function with a negative predictive value of 95%. In summary, the available evidence is currently insufficient to determine the role of this variant in disease. Therefore, it has been classified as a Variant of Uncertain Significance.

Women's Health and Genetics/Laboratory Corporation of America, LabCorp
Classification: Uncertain significance. Last evaluated: 2025-06-23. Review status: criteria provided, single submitter. Criteria: LabCorp Variant Classification Summary - May 2015. Collection method: clinical testing. Allele origin: germline.
Comment: Variant summary: RYR2 c.2381T>G (p.Phe794Cys) results in a non-conservative amino acid change in the encoded protein sequence. Algorithms developed to predict the effect of missense changes on protein structure and function are either unavailable or do not agree on the potential impact of this missense change. The variant allele was found at a frequency of 8e-06 in 249260 control chromosomes. The available data on variant occurrences in the general population are insufficient to allow any conclusion about variant significance. To our knowledge, no occurrence of c.2381T>G in individuals affected with Catecholaminergic Polymorphic Ventricular Tachycardia and no experimental evidence demonstrating its impact on protein function have been reported. ClinVar contains an entry for this variant (Variation ID: 3337532). Based on the evidence outlined above, the variant was classified as uncertain significance.

Color Diagnostics, LLC DBA Color Health
Classification: Uncertain significance for Cardiomyopathy. Last evaluated: 2024-03-28. Review status: criteria provided, single submitter. Criteria: ACMG Guidelines, 2015. Collection method: clinical testing. Allele origin: germline.
Comment: This missense variant replaces phenylalanine with cysteine at codon 794 of the RYR2 protein. Computational prediction suggests that this variant may have deleterious impact on protein structure and function. To our knowledge, functional studies have not been reported for this variant. This variant has not been reported in individuals affected with RYR2-related disorders in the literature. This variant has been identified in 2/249260 chromosomes in the general population by the Genome Aggregation Database (gnomAD). The available evidence is insufficient to determine the role of this variant in disease conclusively. Therefore, this variant is classified as a Variant of Uncertain Significance.

Clinical Genetics Laboratory, Skane University Hospital Lund
Classification: Uncertain significance. Last evaluated: 2022-05-27. Review status: criteria provided, single submitter. Criteria: ACMG Guidelines, 2015. Collection method: clinical testing. Allele origin: germline. Affected: yes.

NM_001035.3(RYR2):c.2381T>G (p.Phe794Cys)

Gene: RYR2 (ryanodine receptor 2; plus strand). Cytogenetic location: 1q43.
Variant type: single nucleotide variant.
Coding change: c.2381T>G on transcript NM_001035.3 (MANE Select); coding-DNA position 2381, T replaced by G.
Protein change: p.Phe794Cys; replaces phenylalanine 794 with cysteine.
Molecular consequence: missense variant.
Genome position (GRCh38, 1-based): chr1:237,500,888, T>G. VCF-style: chr1-237500888-T-G. GRCh37 (hg19) VCF-style: chr1-237664188-T-G.
Other names: short protein forms F794C.
Identifiers: ClinVar variation 3337532 (VCV003337532.5).